The following is an entry in ClinVar:

ClinVar aggregate classification (germline): Uncertain significance (1 of 4 stars; one submission).

Submission:

Labcorp Genetics (formerly Invitae), Labcorp
Classification: Uncertain significance. Last evaluated: 2022-03-27. Review status: criteria provided, single submitter. Criteria: Invitae Variant Classification Sherloc (09022015). Collection method: clinical testing. Allele origin: germline.
Comment: This variant has not been reported in the literature in individuals affected with AXL-related conditions. In summary, the available evidence is currently insufficient to determine the role of this variant in disease. Therefore, it has been classified as a Variant of Uncertain Significance. This variant is a gross deletion of the genomic region encompassing exon(s) 1-6 of the AXL gene, which includes the initiator codon. This deletion extends beyond the assayed region for this gene and therefore may encompass additional genes. It is expected to result in an absent or disrupted protein product. However, the current clinical and genetic evidence is not sufficient to establish whether loss-of-function variants in AXL cause disease.

NC_000019.9:g.(?_41725298)_(41737223_?)del

Gene: AXL (AXL receptor tyrosine kinase; plus strand). Cytogenetic location: 19q13.2.
Variant type: Deletion.
Identifiers: ClinVar variation 2426687 (VCV002426687.4).